The following is an entry in ClinVar:

NM_021008.4(DEAF1):c.962A>G (p.Asn321Ser)

Gene: DEAF1 (DEAF1 transcription factor; minus strand). Cytogenetic location: 11p15.5.
Variant type: single nucleotide variant.
Coding change: c.962A>G on transcript NM_021008.4 (MANE Select); coding-DNA position 962, A replaced by G.
Protein change: p.Asn321Ser; replaces asparagine 321 with serine.
Molecular consequence: missense variant. On other transcripts: intron variant (1).
Genome position (GRCh38, 1-based): chr11:680,998, T>C on the plus strand (A>G on the coding strand, the complement: DEAF1 is on the minus strand). VCF-style: chr11-680998-T-C. GRCh37 (hg19) VCF-style: chr11-680998-T-C.
Other names: c.236A>G, p.Asn79Ser (NM_001367390.1, NM_001440885.1, NM_001440886.1 and 1 more transcripts); c.962A>G, p.Asn321Ser (NM_001440883.1, NM_001440884.1); c.731-1182A>G (NM_001293634.2); short protein forms N79S, N321S.
Identifiers: ClinVar variation 1355826 (VCV001355826.8), dbSNP rs748012006, ClinGen allele CA5786385.

ClinVar aggregate classification (germline): Uncertain significance (1 of 4 stars; one submission).

Allele frequency attached by ClinVar (database versions not stated): gnomAD 0.00001; gnomAD exomes 0.00001; ExAC 0.00002; TOPMed 0.00002.
gnomAD v4.1: 5 of 1,614,024 alleles (0.00031%); highest among the groups gnomAD compares: Admixed American, 0.0017%; no homozygotes.

Submission:

Labcorp Genetics (formerly Invitae), Labcorp
Classification: Uncertain significance. Last evaluated: 2025-07-15. Review status: criteria provided, single submitter. Criteria: Invitae Variant Classification Sherloc (09022015). Collection method: clinical testing. Allele origin: germline.
Comment: This sequence change replaces asparagine, which is neutral and polar, with serine, which is neutral and polar, at codon 321 of the DEAF1 protein (p.Asn321Ser). This variant is present in population databases (rs748012006, gnomAD 0.002%). This variant has not been reported in the literature in individuals affected with DEAF1-related conditions. ClinVar contains an entry for this variant (Variation ID: 1355826). Invitae Evidence Modeling of protein sequence and biophysical properties (such as structural, functional, and spatial information, amino acid conservation, physicochemical variation, residue mobility, and thermodynamic stability) has been performed for this missense variant. However, the output from this modeling did not meet the statistical confidence thresholds required to predict the impact of this variant on DEAF1 protein function. In summary, the available evidence is currently insufficient to determine the role of this variant in disease. Therefore, it has been classified as a Variant of Uncertain Significance.